The following is an entry in ClinVar:

ClinVar aggregate classification (germline): Uncertain significance (1 of 4 stars; one submission).

Conditions:
Malignant hyperthermia, susceptibility to, 1 (MHS1). Also called: Anesthesia related hyperthermia; Malignant hyperpyrexia; Fulminating hyperpyrexia; Pharmacogenic myopathy; RYR1-Related Malignant Hyperthermia Susceptibility; Malignant hyperthermia suceptibility 1. Identifiers: Orphanet 423, MedGen C2930980, MONDO:0007783, OMIM 145600.

Submission:

All of Us Research Program, National Institutes of Health
Classification: Uncertain significance for Malignant hyperthermia, susceptibility to, 1. Last evaluated: 2023-06-28. Review status: criteria provided, single submitter. Criteria: ACMG Guidelines, 2015. Collection method: clinical testing. Allele origin: germline. Inheritance: Autosomal dominant inheritance. Observed: 1 variant allele, 1 heterozygote.
Comment: This study involves interpretation of variants in research participants for the purpose of population health screening. Participant phenotype was not available at the time of variant classification. Additional details can be found in publication PMID: 35346344, PMCID: PMC8962531

NM_000540.3(RYR1):c.5325T>G (p.His1775Gln)

Gene: RYR1 (ryanodine receptor 1; plus strand). Cytogenetic location: 19q13.2.
Variant type: single nucleotide variant.
Coding change: c.5325T>G on transcript NM_000540.3 (MANE Select); coding-DNA position 5325, T replaced by G.
Protein change: p.His1775Gln; replaces histidine 1775 with glutamine.
Molecular consequence: missense variant.
Genome position (GRCh38, 1-based): chr19:38,485,980, T>G. VCF-style: chr19-38485980-T-G. GRCh37 (hg19) VCF-style: chr19-38976620-T-G.
Other names: c.5325T>G, p.His1775Gln (NM_001042723.2); short protein forms H1775Q.
Identifiers: ClinVar variation 3072080 (VCV003072080.1), dbSNP rs2514229181, ClinGen allele CA405654690.